The following is an entry in ClinVar:

ClinVar aggregate classification (germline): Likely pathogenic. Review status: criteria provided, multiple submitters, no conflicts (2 of 4 stars). 3 submissions from 3 submitters: Likely pathogenic (2). 1 of the submissions does not count toward it. Last evaluated 2025-12-22.

Conditions:
Usher syndrome type 1B (USH1B). Also called: Usher syndrome type IB. Identifiers: MedGen C1848638, MONDO:0700087.
Autosomal recessive nonsyndromic hearing loss 2. Also called: DEAFNESS, AUTOSOMAL RECESSIVE 2; NEUROSENSORY NONSYNDROMIC RECESSIVE DEAFNESS 2. Identifiers: Orphanet 90636, MedGen C1838701, MONDO:0010807, OMIM 600060.

Submissions (3):

Natera, Inc.
Classification: Likely pathogenic for Usher syndrome type 1B. Last evaluated: 2025-12-22. Review status: criteria provided, single submitter. Criteria: Natera Variant Classification Schema (03/2026). Collection method: clinical testing. Allele origin: germline.
Comment: The c.1798-1G>T variant in MYO7A is a canonical splice acceptor site variant predicted to affect pre-mRNA splicing, which may result in an abnormal transcript and altered protein product. This variant is expected to result in nonsense mediated decay, truncation, or a dysfunctional protein product. This variant is rare in the general population with a frequency below the threshold expected for the associated phenotype(s). Given the available evidence, this variant is classified as Likely Pathogenic.

GeneDx
Classification: Likely pathogenic. Last evaluated: 2019-07-23. Review status: criteria provided, single submitter. Criteria: GeneDx Variant Classification Process June 2021. Collection method: clinical testing. Allele origin: germline. Affected: yes.
Comment: Canonical splice site variant predicted to result in an in-frame deletion of the actin-binding region and part of the myosin motor domain; Not observed in large population cohorts (Lek et al., 2016); Has not been previously published as pathogenic or benign to our knowledge; This variant is associated with the following publications: (PMID: 31541171)

Genetic Testing Center for Deafness, Department of Otolaryngology Head & Neck Surgery, Institute of Otolaryngology, Chinese PLA General Hospital
Classification: Likely pathogenic for Autosomal recessive nonsyndromic hearing loss 2. Last evaluated: 2019-02-26. Review status: no assertion criteria provided. Collection method: case-control. Allele origin: inherited. Affected: yes. Observed: 1 variant allele. Not counted in ClinVar's aggregate classification.

NM_000260.4(MYO7A):c.1798-1G>T

Gene: MYO7A (myosin VIIA; plus strand). Cytogenetic location: 11q13.5.
Variant type: single nucleotide variant.
Coding change: c.1798-1G>T on transcript NM_000260.4 (MANE Select); the canonical splice acceptor site of the intron before coding-DNA position 1798, G replaced by T.
Molecular consequence: splice acceptor variant.
Genome position (GRCh38, 1-based): chr11:77,172,747, G>T. VCF-style: chr11-77172747-G-T. GRCh37 (hg19) VCF-style: chr11-76883793-G-T.
Other names: c.1798-1G>T (NM_000260.3, NM_001127180.2); c.1765-1G>T (NM_001369365.1).
Identifiers: ClinVar variation 627466 (VCV000627466.5), dbSNP rs1555076948, ClinGen allele CA381938136.
Genomic context (GRCh38, chr11:77,172,747, plus strand): 5'-CTCCTGGGACACTGGATGGGGCAGGCACAGCCCCTCCCATCGCTGCCGTCCGTCCCCCCA[G>T]GGCGCCGAGACCAGGAAGCGCTCGCCCACACTTAGCAGCCAGTTCAAGCGGTCACTGGAG-3'